The following is an entry in ClinVar:

ClinVar aggregate classification (germline): Uncertain significance (1 of 4 stars; one submission).

Conditions:
Microcephaly, normal intelligence and immunodeficiency (NBS). Also called: BERLIN BREAKAGE SYNDROME; IMMUNODEFICIENCY, MICROCEPHALY, AND CHROMOSOMAL INSTABILITY; SEEMANOVA SYNDROME II; Immunodeficiency, microcephaly with normal intelligence; Ataxia telangiectasia variant V1; Nijmegen breakage syndrome. Identifiers: Orphanet 647, MedGen C0398791, MONDO:0009623, OMIM 251260.

Submission:

Labcorp Genetics (formerly Invitae), Labcorp
Classification: Uncertain significance for Microcephaly, normal intelligence and immunodeficiency. Last evaluated: 2023-07-07. Review status: criteria provided, single submitter. Criteria: Invitae Variant Classification Sherloc (09022015). Collection method: clinical testing. Allele origin: germline.
Comment: This sequence change replaces arginine, which is basic and polar, with isoleucine, which is neutral and non-polar, at codon 394 of the NBN protein (p.Arg394Ile). This variant is not present in population databases (gnomAD no frequency). This variant has not been reported in the literature in individuals affected with NBN-related conditions. An algorithm developed to predict the effect of missense changes on protein structure and function (PolyPhen-2) suggests that this variant is likely to be tolerated. In summary, the available evidence is currently insufficient to determine the role of this variant in disease. Therefore, it has been classified as a Variant of Uncertain Significance.

NM_002485.5(NBN):c.1181G>T (p.Arg394Ile)

Gene: NBN (nibrin; minus strand). Cytogenetic location: 8q21.3.
Variant type: single nucleotide variant.
Coding change: c.1181G>T on transcript NM_002485.5 (MANE Select); coding-DNA position 1181, G replaced by T.
Protein change: p.Arg394Ile; replaces arginine 394 with isoleucine.
Molecular consequence: missense variant.
Genome position (GRCh38, 1-based): chr8:89,955,499, C>A on the plus strand (G>T on the coding strand, the complement: NBN is on the minus strand). VCF-style: chr8-89955499-C-A. GRCh37 (hg19) VCF-style: chr8-90967727-C-A.
Other names: c.935G>T, p.Arg312Ile (NM_001024688.3); short protein forms R312I, R394I.
Identifiers: ClinVar variation 2737084 (VCV002737084.3), dbSNP rs1810670587, ClinGen allele CA371656412.